The following is an entry in ClinVar:

ClinVar aggregate classification (germline): Uncertain significance (1 of 4 stars; one submission).

Conditions:
Inborn genetic diseases. Identifiers: MedGen C0950123, MeSH D030342.

Allele frequency attached by ClinVar (database versions not stated): TOPMed below 0.00001.
gnomAD v4.1: 2 of 1,552,472 alleles (0.00013%); highest among the groups gnomAD compares: Non-Finnish European, 0.00017%; no homozygotes.

Submission:

Ambry Genetics
Classification: Uncertain significance for Inborn genetic diseases. Last evaluated: 2021-10-26. Review status: criteria provided, single submitter. Criteria: Ambry Variant Classification Scheme 2023. Collection method: clinical testing. Allele origin: germline.
Comment: The p.N420T variant (also known as c.1259A>C), located in coding exon 10 of the EPAS1 gene, results from an A to C substitution at nucleotide position 1259. The asparagine at codon 420 is replaced by threonine, an amino acid with similar properties. This amino acid position is conserved. In addition, this alteration is predicted to be tolerated by in silico analysis. Since supporting evidence is limited at this time, the clinical significance of this alteration remains unclear.

NM_001430.5(EPAS1):c.1259A>C (p.Asn420Thr)

Gene: EPAS1 (endothelial PAS domain protein 1; plus strand). Cytogenetic location: 2p21.
Variant type: single nucleotide variant.
Coding change: c.1259A>C on transcript NM_001430.5 (MANE Select); coding-DNA position 1259, A replaced by C.
Protein change: p.Asn420Thr; replaces asparagine 420 with threonine.
Molecular consequence: missense variant.
Genome position (GRCh38, 1-based): chr2:46,377,903, A>C. VCF-style: chr2-46377903-A-C. GRCh37 (hg19) VCF-style: chr2-46605042-A-C.
Other names: short protein forms N420T.
Identifiers: ClinVar variation 1762457 (VCV001762457.2), dbSNP rs1413095996, ClinGen allele CA346703601.